The following is an entry in ClinVar:

NM_001367823.1(ARHGEF18):c.3083G>A (p.Arg1028Gln)

Gene: ARHGEF18 (Rho/Rac guanine nucleotide exchange factor 18; plus strand). Cytogenetic location: 19p13.2.
Variant type: single nucleotide variant.
Coding change: c.3083G>A on transcript NM_001367823.1 (MANE Select); coding-DNA position 3083, G replaced by A.
Protein change: p.Arg1028Gln; replaces arginine 1028 with glutamine.
Molecular consequence: missense variant.
Genome position (GRCh38, 1-based): chr19:7,467,287, G>A. VCF-style: chr19-7467287-G-A. GRCh37 (hg19) VCF-style: chr19-7532173-G-A.
Other names: c.2357G>A, p.Arg786Gln (NM_001130955.2); c.2045G>A, p.Arg682Gln (NM_001367824.1, NM_015318.4); short protein forms R682Q, R1028Q, R786Q.
Identifiers: ClinVar variation 2117115 (VCV002117115.4), dbSNP rs2512342500, ClinGen allele CA403086823.

ClinVar aggregate classification (germline): Uncertain significance (1 of 4 stars; one submission).

Submission:

Labcorp Genetics (formerly Invitae), Labcorp
Classification: Uncertain significance. Last evaluated: 2022-03-26. Review status: criteria provided, single submitter. Criteria: Invitae Variant Classification Sherloc (09022015). Collection method: clinical testing. Allele origin: germline.
Comment: This sequence change replaces arginine, which is basic and polar, with glutamine, which is neutral and polar, at codon 840 of the ARHGEF18 protein (p.Arg840Gln). In summary, the available evidence is currently insufficient to determine the role of this variant in disease. Therefore, it has been classified as a Variant of Uncertain Significance. Algorithms developed to predict the effect of missense changes on protein structure and function (SIFT, PolyPhen-2, Align-GVGD) all suggest that this variant is likely to be disruptive. This variant has not been reported in the literature in individuals affected with ARHGEF18-related conditions. This variant is not present in population databases (gnomAD no frequency).